The following is an entry in ClinVar:

ClinVar aggregate classification (germline): Uncertain significance. Review status: criteria provided, multiple submitters, no conflicts (2 of 4 stars). 4 submissions from 4 submitters: Uncertain significance (2). 2 of the submissions do not count toward it. Last evaluated 2025-11-06.

Conditions:
IFT74-related disorder. Also called: IFT74-related condition; IFT74-Related Disorders.
Inborn genetic diseases. Identifiers: MedGen C0950123, MeSH D030342.
Microcephaly. Also called: Microcephaly (disease). Identifiers: MedGen C4551563, MONDO:0001149, HP:0000252.

Allele frequency attached by ClinVar (database versions not stated): ExAC 0.00001; gnomAD 0.00001; TOPMed 0.00001.

Submissions (4):

Labcorp Genetics (formerly Invitae), Labcorp
Classification: Uncertain significance. Last evaluated: 2025-11-06. Review status: criteria provided, single submitter. Criteria: Invitae Variant Classification Sherloc (09022015). Collection method: clinical testing. Allele origin: germline.
Comment: This sequence change replaces glutamic acid, which is acidic and polar, with lysine, which is basic and polar, at codon 205 of the IFT74 protein (p.Glu205Lys). This variant is present in population databases (rs756024765, gnomAD 0.002%). This variant has not been reported in the literature in individuals affected with IFT74-related conditions. ClinVar contains an entry for this variant (Variation ID: 813571). An algorithm developed to predict the effect of missense changes on protein structure and function (PolyPhen-2) suggests that this variant is likely to be disruptive. In summary, the available evidence is currently insufficient to determine the role of this variant in disease. Therefore, it has been classified as a Variant of Uncertain Significance.

Ambry Genetics
Classification: Uncertain significance for Inborn genetic diseases. Last evaluated: 2025-05-25. Review status: criteria provided, single submitter. Criteria: Ambry Variant Classification Scheme 2023. Collection method: clinical testing. Allele origin: germline.

PreventionGenetics, part of Exact Sciences
Classification: Uncertain significance for IFT74-related condition. Last evaluated: 2024-03-08. Review status: no assertion criteria provided. Collection method: clinical testing. Allele origin: germline. Not counted in ClinVar's aggregate classification.
Comment: The IFT74 c.613G>A variant is predicted to result in the amino acid substitution p.Glu205Lys. To our knowledge, this variant has not been reported in the literature. This variant is reported in 0.0018% of alleles in individuals of European (Non-Finnish) descent in gnomAD. At this time, the clinical significance of this variant is uncertain due to the absence of conclusive functional and genetic evidence.

Department of Pediatrics, Samsung Medical Center, Samsung Medical Center
Classification: Uncertain significance for Microcephaly. Review status: no assertion criteria provided. Criteria: ACMG Guidelines, 2015. Collection method: research. Allele origin: germline. Affected: yes. Not counted in ClinVar's aggregate classification.

NM_025103.4(IFT74):c.613G>A (p.Glu205Lys)

Gene: IFT74 (intraflagellar transport 74; plus strand). Cytogenetic location: 9p21.2.
Variant type: single nucleotide variant.
Coding change: c.613G>A on transcript NM_025103.4 (MANE Select); coding-DNA position 613, G replaced by A.
Protein change: p.Glu205Lys; replaces glutamic acid 205 with lysine.
Molecular consequence: missense variant.
Genome position (GRCh38, 1-based): chr9:27,009,045, G>A. VCF-style: chr9-27009045-G-A. GRCh37 (hg19) VCF-style: chr9-27009043-G-A.
Other names: c.613G>A, p.Glu205Lys (NM_001099222.3, NM_001099223.3, NM_001099224.3 and 1 more transcripts); c.613G>A (NM_025103.2, NM_001099222.1); short protein forms E205K.
Identifiers: ClinVar variation 813571 (VCV000813571.10), dbSNP rs756024765, ClinGen allele CA5015338.